The following is an entry in ClinVar:

NM_031935.3(HMCN1):c.875C>T (p.Pro292Leu)

Gene: HMCN1 (hemicentin 1; plus strand). Cytogenetic location: 1q31.1.
Variant type: single nucleotide variant.
Coding change: c.875C>T on transcript NM_031935.3 (MANE Select); coding-DNA position 875, C replaced by T.
Protein change: p.Pro292Leu; replaces proline 292 with leucine.
Molecular consequence: missense variant.
Genome position (GRCh38, 1-based): chr1:185,911,755, C>T. VCF-style: chr1-185911755-C-T. GRCh37 (hg19) VCF-style: chr1-185880887-C-T.
Other names: short protein forms P292L.
Identifiers: ClinVar variation 3665010 (VCV003665010.2).
Genomic context (GRCh38, chr1:185,911,755, plus strand): 5'-TTGGCCTGCATGAGCTATTAAATATCCATAACTCTGCCAAAGTAGTGAATGTGAAAGAGC[C>T]AGAGGCTGGAATGTGGACAGTGAAGGTACGGTTGTTTCACAAAGTTTGTTTATTGTTTTA-3'
Protein context (NP_114141.2, residues 282-302): NSAKVVNVKE[Pro292Leu]EAGMWTVKTS

ClinVar aggregate classification (germline): Uncertain significance (1 of 4 stars; one submission).

gnomAD v4.1: 1 of 1,612,720 alleles (0.000062%); highest among the groups gnomAD compares: Admixed American, 0.0017%; no homozygotes.

Submission:

Labcorp Genetics (formerly Invitae), Labcorp
Classification: Uncertain significance. Last evaluated: 2024-04-15. Review status: criteria provided, single submitter. Criteria: Invitae Variant Classification Sherloc (09022015). Collection method: clinical testing. Allele origin: germline.
Comment: This sequence change replaces proline, which is neutral and non-polar, with leucine, which is neutral and non-polar, at codon 292 of the HMCN1 protein (p.Pro292Leu). This variant is present in population databases (no rsID available, gnomAD 0.003%). This variant has not been reported in the literature in individuals affected with HMCN1-related conditions. An algorithm developed to predict the effect of missense changes on protein structure and function (PolyPhen-2) suggests that this variant is likely to be disruptive. In summary, the available evidence is currently insufficient to determine the role of this variant in disease. Therefore, it has been classified as a Variant of Uncertain Significance.